The following is an entry in ClinVar:

ClinVar aggregate classification (germline): Conflicting classifications of pathogenicity. Review status: criteria provided, conflicting classifications (1 of 4 stars). 4 submissions from 4 submitters: Uncertain significance (1); Likely benign (3). Last evaluated 2025-11-23.

Allele frequency attached by ClinVar (database versions not stated): TOPMed 0.00009; gnomAD 0.00011 and 0.00012; ExAC 0.00014; gnomAD exomes 0.00014; ESP Exome Variant Server 0.00025.
gnomAD v4.1: 107 of 1,614,120 alleles (0.0066%); highest among the groups gnomAD compares: Admixed American, 0.0033%; no homozygotes.

Submissions (4):

Labcorp Genetics (formerly Invitae), Labcorp
Classification: Likely benign. Last evaluated: 2025-11-23. Review status: criteria provided, single submitter. Criteria: Invitae Variant Classification Sherloc (09022015). Collection method: clinical testing. Allele origin: germline.

Mayo Clinic Laboratories, Mayo Clinic
Classification: Likely benign. Last evaluated: 2025-01-07. Review status: criteria provided, single submitter. Criteria: ACMG Guidelines, 2015. Collection method: clinical testing. Allele origin: germline. Observed: 1 variant allele.
Comment: BS1, BP4

Blueprint Genetics
Classification: Likely benign. Last evaluated: 2024-09-20. Review status: criteria provided, single submitter. Criteria: ACMG Guidelines, 2015. Collection method: clinical testing. Allele origin: germline.

Ambry Genetics
Classification: Uncertain significance. Last evaluated: 2022-04-25. Review status: criteria provided, single submitter. Criteria: Ambry Variant Classification Scheme 2023. Collection method: clinical testing. Allele origin: germline.

NM_017999.5(RNF31):c.2851G>A (p.Val951Ile)

Gene: RNF31 (ring finger protein 31; plus strand). Cytogenetic location: 14q12.
Variant type: single nucleotide variant.
Coding change: c.2851G>A on transcript NM_017999.5 (MANE Select); coding-DNA position 2851, G replaced by A.
Protein change: p.Val951Ile; replaces valine 951 with isoleucine.
Molecular consequence: missense variant.
Genome position (GRCh38, 1-based): chr14:24,158,151, G>A. VCF-style: chr14-24158151-G-A. GRCh37 (hg19) VCF-style: chr14-24627360-G-A.
Other names: p.Val951Ile; c.2398G>A, p.Val800Ile (NM_001310332.2); short protein forms V951I, V800I.
Identifiers: ClinVar variation 720358 (VCV000720358.11), dbSNP rs373561182, ClinGen allele CA7126189.